The following is an entry in ClinVar:

ClinVar aggregate classification (germline): Uncertain significance (1 of 4 stars; one submission).

Conditions:
Pseudohypoaldosteronism type 2C (PHA2C). Also called: Pseudohypoaldosteronism Type IIC. Identifiers: Orphanet 757, Orphanet 88940, MedGen C1840391, MONDO:0013778, OMIM 614492.
Neuropathy, hereditary sensory and autonomic, type 2A (HSAN2A). Also called: MORVAN DISEASE; NEUROPATHY, CONGENITAL SENSORY; NEUROPATHY, HEREDITARY SENSORY RADICULAR, AUTOSOMAL RECESSIVE; NEUROPATHY, HEREDITARY SENSORY, TYPE IIA; NEUROPATHY, PROGRESSIVE SENSORY, OF CHILDREN; WNK1-Related HSAN2 (HSAN2A). Identifiers: Orphanet 970, MedGen C2752089, MONDO:0024309, OMIM 201300.

Allele frequency attached by ClinVar (database versions not stated): TOPMed 0.00001.
gnomAD v4.1: 14 of 1,613,974 alleles (0.00087%); highest among the groups gnomAD compares: Non-Finnish European, 0.0011%; no homozygotes.

Submission:

Labcorp Genetics (formerly Invitae), Labcorp
Classification: Uncertain significance for Neuropathy, hereditary sensory and autonomic, type 2A; Pseudohypoaldosteronism type 2C. Last evaluated: 2025-10-27. Review status: criteria provided, single submitter. Criteria: Invitae Variant Classification Sherloc (09022015). Collection method: clinical testing. Allele origin: germline.
Comment: This sequence change replaces glutamine, which is neutral and polar, with glutamic acid, which is acidic and polar, at codon 974 of the WNK1 protein (p.Gln974Glu). This variant is not present in population databases (gnomAD no frequency). This variant has not been reported in the literature in individuals affected with WNK1-related conditions. ClinVar contains an entry for this variant (Variation ID: 842429). Invitae Evidence Modeling of protein sequence and biophysical properties (such as structural, functional, and spatial information, amino acid conservation, physicochemical variation, residue mobility, and thermodynamic stability) indicates that this missense variant is not expected to disrupt WNK1 protein function with a negative predictive value of 95%. In summary, the available evidence is currently insufficient to determine the role of this variant in disease. Therefore, it has been classified as a Variant of Uncertain Significance.

NM_213655.5(WNK1):c.2920C>G (p.Gln974Glu)

Gene: WNK1 (WNK lysine deficient protein kinase 1; plus strand). Cytogenetic location: 12p13.33.
Variant type: single nucleotide variant.
Coding change: c.2920C>G on transcript NM_213655.5 (MANE Plus Clinical); coding-DNA position 2920, C replaced by G.
Protein change: p.Gln974Glu; replaces glutamine 974 with glutamic acid.
Molecular consequence: missense variant. On other transcripts: intron variant (2).
Genome position (GRCh38, 1-based): chr12:868,391, C>G. VCF-style: chr12-868391-C-G. GRCh37 (hg19) VCF-style: chr12-977557-C-G.
Other names: c.2665C>G, p.Gln889Glu (NM_001184985.2); c.2140-2874C>G (NM_018979.4, NM_014823.3); short protein forms Q889E, Q974E.
Identifiers: ClinVar variation 842429 (VCV000842429.9), dbSNP rs1478989689, ClinGen allele CA383339901.